The following is an entry in ClinVar:

ClinVar aggregate classification (germline): Uncertain significance (1 of 4 stars; one submission).

Conditions:
Inborn genetic diseases. Identifiers: MedGen C0950123, MeSH D030342.

Submission:

Ambry Genetics
Classification: Uncertain significance for Inborn genetic diseases. Last evaluated: 2024-03-18. Review status: criteria provided, single submitter. Criteria: Ambry Variant Classification Scheme 2023. Collection method: clinical testing. Allele origin: germline.
Comment: The c.1343_1360dupCGGGCATCATCTGTGATG (p.A448_D453dup) alteration is located in exon 11 (coding exon 10) of the ITGB4 gene. The alteration consists of an in-frame duplication of 18 nucleotides from position 1343 to 1360, resulting in the duplication of 6 residues. Based on insufficient or conflicting evidence, the clinical significance of this alteration remains unclear.

NM_000213.5(ITGB4):c.1343_1360dup (p.Asp453_Val454insAlaGlyIleIleCysAsp)

Gene: ITGB4 (integrin subunit beta 4; plus strand). Cytogenetic location: 17q25.1.
Variant type: Duplication.
Coding change: c.1343_1360dup on transcript NM_000213.5 (MANE Select); coding-DNA positions 1343 to 1360, 18 bases duplicated (CGGGCATCATCTGTGATG).
Protein change: p.Asp453_Val454insAlaGlyIleIleCysAsp.
Molecular consequence: inframe insertion. On other transcripts: inframe indel (1).
Genome position (GRCh38, 1-based): chr17:75,731,939-75,731,956, CGGGCATCATCTGTGATG duplicated; duplicating any 18 consecutive bases within chr17:75,731,938-75,731,956 gives the same sequence; the c. name uses the placement nearest the transcript's 3' end. VCF-style (leftmost placement, unchanged base first): chr17-75731937-C-CGCGGGCATCATCTGTGAT. GRCh37 (hg19) VCF-style: chr17-73728018-C-CGCGGGCATCATCTGTGAT.
Other names: c.1343_1360dup, p.Asp453_Val454insAlaGlyIleIleCysAsp (NM_001005619.2, NM_001005731.3, NM_001321123.2).
Identifiers: ClinVar variation 3286849 (VCV003286849.1).